The following is an entry in ClinVar:

NM_020207.7(ERCC6L2):c.1609C>T (p.Leu537Phe)

Gene: ERCC6L2 (ERCC excision repair 6 like 2; plus strand). Cytogenetic location: 9q22.32.
Variant type: single nucleotide variant.
Coding change: c.1609C>T on transcript NM_020207.7 (MANE Select); coding-DNA position 1609, C replaced by T.
Protein change: p.Leu537Phe; replaces leucine 537 with phenylalanine.
Molecular consequence: missense variant. On other transcripts: non-coding transcript variant (1).
Genome position (GRCh38, 1-based): chr9:95,928,722, C>T. VCF-style: chr9-95928722-C-T. GRCh37 (hg19) VCF-style: chr9-98691004-C-T.
Other names: c.1609C>T, p.Leu537Phe (NM_001375291.1, NM_001375292.1, NM_001375293.1 and 2 more transcripts); short protein forms L537F.
Identifiers: ClinVar variation 4618700 (VCV004618700.1).

ClinVar aggregate classification (germline): Uncertain significance (1 of 4 stars; one submission).

Conditions:
Inborn genetic diseases. Identifiers: MedGen C0950123, MeSH D030342.

Submission:

Ambry Genetics
Classification: Uncertain significance for Inborn genetic diseases. Last evaluated: 2025-09-18. Review status: criteria provided, single submitter. Criteria: Ambry Variant Classification Scheme 2023. Collection method: clinical testing. Allele origin: germline.
Comment: The p.L537F variant (also known as c.1609C>T), located in coding exon 11 of the ERCC6L2 gene, results from a C to T substitution at nucleotide position 1609. The leucine at codon 537 is replaced by phenylalanine, an amino acid with highly similar properties. This amino acid position is conserved. In addition, this alteration is predicted to be deleterious by in silico analysis. Based on the available evidence, the clinical significance of this variant remains unclear.